The following is an entry in ClinVar:

ClinVar aggregate classification (germline): Uncertain significance. Review status: criteria provided, multiple submitters, no conflicts (2 of 4 stars). 3 submissions from 3 submitters: Uncertain significance (3). Last evaluated 2025-08-07.

Conditions:
Retinal dystrophy. Also called: Inherited retinal dystrophy. Identifiers: Orphanet 71862, MedGen C0854723, MeSH D058499, MONDO:0019118, HP:0000556.
Inborn genetic diseases. Identifiers: MedGen C0950123, MeSH D030342.
BBS1-related disorder. Also called: BBS1-related condition.

Allele frequency attached by ClinVar (database versions not stated): ESP Exome Variant Server 0.00015.
gnomAD v4.1: 83 of 1,605,562 alleles (0.0052%); highest among the groups gnomAD compares: South Asian, 0.0077%; no homozygotes.

Submissions (3):

PreventionGenetics, part of Exact Sciences
Classification: Uncertain significance for BBS1-related condition. Last evaluated: 2025-08-07. Review status: criteria provided, single submitter. Criteria: ACMG Guidelines, 2015. Collection method: clinical testing. Allele origin: germline.
Comment: The BBS1 c.1439C>T variant is predicted to result in the amino acid substitution p.Thr480Met. To our knowledge, this variant has not been reported in the literature. This variant is reported in 0.0066% of alleles in individuals of South Asian descent in gnomAD. At this time, the clinical significance of this variant is uncertain due to the absence of conclusive functional and genetic evidence.

Ambry Genetics
Classification: Uncertain significance for Inborn genetic diseases. Last evaluated: 2025-03-31. Review status: criteria provided, single submitter. Criteria: Ambry Variant Classification Scheme 2023. Collection method: clinical testing. Allele origin: germline.

Dept Of Ophthalmology, Nagoya University
Classification: Uncertain significance for Retinal dystrophy. Last evaluated: 2023-10-01. Review status: criteria provided, single submitter. Criteria: Submitter's publication. Collection method: research. Allele origin: germline. Affected: yes.

NM_024649.5(BBS1):c.1439C>T (p.Thr480Met)

Genes: BBS1 (Bardet-Biedl syndrome 1; plus strand), ZDHHC24 (zDHHC palmitoyltransferase 24; minus strand). Cytogenetic location: 11q13.2.
Variant type: single nucleotide variant.
Coding change: c.1439C>T on transcript NM_024649.5 (MANE Select); coding-DNA position 1439, C replaced by T.
Protein change: p.Thr480Met; replaces threonine 480 with methionine.
Molecular consequence: missense variant. On other transcripts: intron variant (1).
Genome position (GRCh38, 1-based): chr11:66,529,918, C>T. VCF-style: chr11-66529918-C-T. GRCh37 (hg19) VCF-style: chr11-66297389-C-T.
Other names: c.560-430G>A (NM_001348571.2); short protein forms T480M.
Identifiers: ClinVar variation 2631505 (VCV002631505.4), dbSNP rs374706769, ClinGen allele CA6123765.
Genomic context (GRCh38, chr11:66,529,918, plus strand): 5'-GCCTACGTGCTGCCCGCGCCTACCTGCAGGCCCTCGAGTCCAGCCTGAGCCCCCTGTCCA[C>T]GACAGCCCGAGAGCCACTCAAGCTGCACGCCGTGGTGAGCATCTGGGTGAGGGCAGAGTC-3'
Protein context (NP_078925.3, residues 470-490): ALESSLSPLS[Thr480Met]TAREPLKLHA